The following is an entry in ClinVar:

NM_013296.5(GPSM2):c.1088C>T (p.Thr363Ile)

Gene: GPSM2 (G protein signaling modulator 2; plus strand). Cytogenetic location: 1p13.3.
Variant type: single nucleotide variant.
Coding change: c.1088C>T on transcript NM_013296.5 (MANE Select); coding-DNA position 1088, C replaced by T.
Protein change: p.Thr363Ile; replaces threonine 363 with isoleucine.
Molecular consequence: missense variant.
Genome position (GRCh38, 1-based): chr1:108,904,150, C>T. VCF-style: chr1-108904150-C-T. GRCh37 (hg19) VCF-style: chr1-109446772-C-T.
Other names: c.1088C>T, p.Thr363Ile (NM_001321038.2, NM_001321039.3); short protein forms T363I.
Identifiers: ClinVar variation 5017591 (VCV005017591.1).

ClinVar aggregate classification (germline): Uncertain significance (1 of 4 stars; one submission).

gnomAD v4.1: 10 of 1,599,698 alleles (0.00063%); highest among the groups gnomAD compares: Admixed American, 0.0017%; no homozygotes.

Submission:

GeneDx
Classification: Uncertain significance. Last evaluated: 2026-04-02. Review status: criteria provided, single submitter. Criteria: GeneDx Variant Classification Process June 2021. Collection method: clinical testing. Allele origin: germline.
Comment: Not observed at significant frequency in large population cohorts (gnomAD); In silico analysis supports that this missense variant has a deleterious effect on protein structure/function; Has not been previously published as pathogenic or benign to our knowledge